The following is an entry in ClinVar:

ClinVar aggregate classification (germline): Uncertain significance (1 of 4 stars; one submission).

Conditions:
ISL1-related disorder. Also called: ISL1-related condition.

Submission:

PreventionGenetics, part of Exact Sciences
Classification: Uncertain significance for ISL1-related condition. Last evaluated: 2025-11-25. Review status: criteria provided, single submitter. Criteria: ACMG Guidelines, 2015. Collection method: clinical testing. Allele origin: germline.
Comment: The ISL1 c.965A>G variant is predicted to result in the amino acid substitution p.Asn322Ser. To our knowledge, this variant has not been reported in the literature or in a large population database (gnomAD), indicating this variant is rare. At this time, the clinical significance of this variant is uncertain due to the absence of conclusive functional and genetic evidence.

NM_002202.3(ISL1):c.965A>G (p.Asn322Ser)

Gene: ISL1 (ISL LIM homeobox 1; plus strand). Cytogenetic location: 5q11.1.
Variant type: single nucleotide variant.
Coding change: c.965A>G on transcript NM_002202.3 (MANE Select); coding-DNA position 965, A replaced by G.
Protein change: p.Asn322Ser; replaces asparagine 322 with serine.
Molecular consequence: missense variant.
Genome position (GRCh38, 1-based): chr5:51,393,525, A>G. VCF-style: chr5-51393525-A-G. GRCh37 (hg19) VCF-style: chr5-50689359-A-G.
Other names: short protein forms N322S.
Identifiers: ClinVar variation 4994541 (VCV004994541.1).
Genomic context (GRCh38, chr5:51,393,525, plus strand): 5'-CTTTATTTATTTCTCAACCTTCTATGCAGGTCAATTTTTCAGAAGGAGGACCGGGCTCTA[A>G]TTCCACTGGCAGTGAAGTAGCATCAATGTCCTCTCAACTTCCAGATACACCTAACAGCAT-3'
Protein context (NP_002193.2, residues 312-332): VNFSEGGPGS[Asn322Ser]STGSEVASMS